The following is an entry in ClinVar:

ClinVar aggregate classification (germline): Uncertain significance (0 of 4 stars; one submission).

Conditions:
BACH1-related disorder. Also called: BACH1-related condition.

Submission:

PreventionGenetics, part of Exact Sciences
Classification: Uncertain significance for BACH1-related condition. Last evaluated: 2023-12-08. Review status: no assertion criteria provided. Collection method: clinical testing. Allele origin: germline.
Comment: The BACH1 c.1087G>C variant is predicted to result in the amino acid substitution p.Glu363Gln. To our knowledge, this variant has not been reported in the literature or in a large population database, indicating this variant is rare. At this time, the clinical significance of this variant is uncertain due to the absence of conclusive functional and genetic evidence.

NM_001186.4(BACH1):c.1087G>C (p.Glu363Gln)

Gene: BACH1 (BTB domain and CNC homolog 1; plus strand). Cytogenetic location: 21q21.3.
Variant type: single nucleotide variant.
Coding change: c.1087G>C on transcript NM_001186.4 (MANE Select); coding-DNA position 1087, G replaced by C.
Protein change: p.Glu363Gln; replaces glutamic acid 363 with glutamine.
Molecular consequence: missense variant. On other transcripts: non-coding transcript variant (1).
Genome position (GRCh38, 1-based): chr21:29,326,911, G>C. VCF-style: chr21-29326911-G-C. GRCh37 (hg19) VCF-style: chr21-30699232-G-C.
Other names: c.1087G>C, p.Glu363Gln (NM_206866.3); short protein forms E363Q.
Identifiers: ClinVar variation 3040617 (VCV003040617.2), dbSNP rs1314485271, ClinGen allele CA410171566.
Genomic context (GRCh38, chr21:29,326,911, plus strand): 5'-ACAACAGTGTTAACAGAAAAGCCTTTGTCAGGTACAGACGTCCAAGAAAAAACATTTGGT[G>C]AAAGTCAGGATTTACCTTTGAAATCCGACTTGGGCACCAGGGAAGATAGTAGTGTTGCAT-3'
Protein context (NP_001177.1, residues 353-373): GTDVQEKTFG[Glu363Gln]SQDLPLKSDL